The following is an entry in ClinVar:

NM_005188.4(CBL):c.290C>T (p.Thr97Ile)

Gene: CBL (Cbl proto-oncogene; plus strand). Cytogenetic location: 11q23.3.
Variant type: single nucleotide variant.
Coding change: c.290C>T on transcript NM_005188.4 (MANE Select); coding-DNA position 290, C replaced by T.
Protein change: p.Thr97Ile; replaces threonine 97 with isoleucine.
Molecular consequence: missense variant.
Genome position (GRCh38, 1-based): chr11:119,232,542, C>T. VCF-style: chr11-119232542-C-T. GRCh37 (hg19) VCF-style: chr11-119103252-C-T.
Other names: short protein forms T97I.
Identifiers: ClinVar variation 4843614 (VCV004843614.1).

ClinVar aggregate classification (germline): Uncertain significance (1 of 4 stars; one submission).

Conditions:
Cardiovascular phenotype. Identifiers: MedGen CN230736.

gnomAD v4.1: 4 of 1,613,870 alleles (0.00025%); highest among the groups gnomAD compares: Middle Eastern, 0.016%; no homozygotes.

Submission:

Ambry Genetics
Classification: Uncertain significance for Cardiovascular phenotype. Last evaluated: 2025-12-21. Review status: criteria provided, single submitter. Criteria: Ambry Variant Classification Scheme 2023. Collection method: clinical testing. Allele origin: germline.
Comment: The p.T97I variant (also known as c.290C>T), located in coding exon 2 of the CBL gene, results from a C to T substitution at nucleotide position 290. The threonine at codon 97 is replaced by isoleucine, an amino acid with similar properties. This amino acid position is conserved. In addition, this alteration is predicted to be deleterious by in silico analysis. Based on the available evidence, the clinical significance of this variant remains unclear.